The following is an entry in ClinVar:

ClinVar aggregate classification (germline): Pathogenic (1 of 4 stars; one submission).

Conditions:
Hereditary cancer-predisposing syndrome. Also called: Neoplastic Syndromes, Hereditary; Hereditary Cancer Syndrome; Hereditary neoplastic syndrome; Tumor predisposition. Identifiers: Orphanet 140162, MedGen C0027672, MeSH D009386, MONDO:0015356.

Submission:

Ambry Genetics
Classification: Pathogenic for Hereditary cancer-predisposing syndrome. Last evaluated: 2018-01-02. Review status: criteria provided, single submitter. Criteria: Ambry Variant Classification Scheme 2023. Collection method: clinical testing. Allele origin: germline.
Comment: The c.706dupA pathogenic mutation, located in coding exon 9 of the BRCA1 gene, results from a duplication of A at nucleotide position 706, causing a translational frameshift with a predicted alternate stop codon (p.T236Nfs*2). This alteration is expected to result in loss of function by premature protein truncation or nonsense-mediated mRNA decay. As such, this alteration is interpreted as a disease-causing mutation.

NM_007294.4(BRCA1):c.706dup (p.Thr236fs)

Gene: BRCA1 (BRCA1 DNA repair associated; minus strand). Cytogenetic location: 17q21.31.
Variant type: Duplication.
Coding change: c.706dup on transcript NM_007294.4 (MANE Select); coding-DNA position 706, one base duplicated (A; older notation c.706dupA).
Protein change: p.Thr236fs; shifts the reading frame from threonine 236.
Molecular consequence: frameshift variant. On other transcripts: non-coding transcript variant (1).
Genome position (GRCh38, 1-based): chr17:43,094,825, T duplicated on the plus strand (A on the coding strand, the reverse complement: BRCA1 is on the minus strand). VCF-style (leftmost placement, unchanged base first): chr17-43094824-G-GT. GRCh37 (hg19) VCF-style: chr17-41246841-G-GT.
Other names: c.562dup, p.Thr188Asnfs (NM_001407838.1, NM_001407839.1, NM_001407842.1 and 26 more transcripts); c.493dup, p.Thr165Asnfs (NM_001408493.1, NM_001407571.1, NM_001407853.1 and 12 more transcripts); c.442dup, p.Thr148Asnfs (NM_001408496.1, NM_001408497.1, NM_001408501.1 and 15 more transcripts); c.706dupA (NM_007294.3); c.706dup, p.Thr236Asnfs (NM_001407581.1, NM_001407582.1, NM_001407583.1 and 52 more transcripts); c.703dup, p.Thr235Asnfs (NM_001407587.1, NM_001407590.1, NM_001407591.1 and 38 more transcripts); c.697dup, p.Thr233Asnfs (NM_001407646.1, NM_001407647.1, NM_001408408.1); c.583dup, p.Thr195Asnfs (NM_001407648.1, NM_001407664.1, NM_001407665.1 and 34 more transcripts); and 17 more; short protein forms T236fs, T189fs.
Identifiers: ClinVar variation 479206 (VCV000479206.6), dbSNP rs1555593279, ClinGen allele CA658656636.